The following is an entry in ClinVar:

ClinVar aggregate classification (germline): Uncertain significance. Review status: criteria provided, multiple submitters, no conflicts (2 of 4 stars). 3 submissions from 3 submitters: Uncertain significance (3). Last evaluated 2026-08-06.

Conditions:
Hearing loss, autosomal dominant 75. Also called: DEAFNESS, AUTOSOMAL DOMINANT 75. Identifiers: MedGen C5394059, MONDO:0032911, OMIM 618778.
Developmental delay with or without dysmorphic facies and autism. Identifiers: MedGen C5193106, MONDO:0032760, OMIM 618454.

Allele frequency attached by ClinVar (database versions not stated): gnomAD exomes below 0.00001; ExAC 0.00001; TOPMed 0.00001; gnomAD 0.00002.
gnomAD v4.1: 9 of 1,614,028 alleles (0.00056%); highest among the groups gnomAD compares: East Asian, 0.0045%; no homozygotes.

Submissions (3):

OLLIN Analises Genomicas, OLLIN
Classification: Uncertain significance for Developmental delay with or without dysmorphic facies and autism. Last evaluated: 2026-08-06. Review status: criteria provided, single submitter. Criteria: ACMG Guidelines 2015 PMID 25741868. Collection method: clinical testing. Allele origin: germline. Inheritance: Autosomal dominant inheritance.
Comment: This missense variant, located in exon 71 (of 73), has been reported in ClinVar (accession VCV002058572.4) and in gnomAD with an allele frequency of 0.00056%. However, to our knowledge, it has not been reported in the scientific literature. In silico analysis predicts that this variant has a deleterious effect. This gene is constrained for missense variation. According to the currently available evidence, this variant has been classified as uncertain significance (PP2, PP3_M).

Labcorp Genetics (formerly Invitae), Labcorp
Classification: Uncertain significance. Last evaluated: 2024-05-26. Review status: criteria provided, single submitter. Criteria: Invitae Variant Classification Sherloc (09022015). Collection method: clinical testing. Allele origin: germline.
Comment: This sequence change replaces proline, which is neutral and non-polar, with leucine, which is neutral and non-polar, at codon 3618 of the TRRAP protein (p.Pro3618Leu). This variant is present in population databases (rs746185285, gnomAD 0.01%). This missense change has been observed in individual(s) with TRRAP-related conditions (PMID: 28191889). ClinVar contains an entry for this variant (Variation ID: 2058572). Advanced modeling of protein sequence and biophysical properties (such as structural, functional, and spatial information, amino acid conservation, physicochemical variation, residue mobility, and thermodynamic stability) performed at Invitae indicates that this missense variant is expected to disrupt TRRAP protein function with a positive predictive value of 80%. In summary, the available evidence is currently insufficient to determine the role of this variant in disease. Therefore, it has been classified as a Variant of Uncertain Significance.

Juno Genomics, Hangzhou Juno Genomics, Inc
Classification: Uncertain significance for Hearing loss, autosomal dominant 75; Developmental delay with or without dysmorphic facies and autism. Review status: criteria provided, single submitter. Criteria: ACMG Guidelines, 2015. Collection method: clinical testing. Allele origin: germline.
Comment: Absent from controls (or at extremely low frequency if recessive) in Genome Aggregation Database.;Missense variant in a gene that has a low rate of benign missense variation.;Multiple lines of computational evidence support a deleterious effect on the gene or gene product.

Literature cited by the submitters: PubMed 28191889 (cited by Labcorp Genetics (formerly Invitae), Labcorp).

NM_001375524.1(TRRAP):c.10982C>T (p.Pro3661Leu)

Gene: TRRAP (transformation/transcription domain associated protein; plus strand). Cytogenetic location: 7q22.1.
Variant type: single nucleotide variant.
Coding change: c.10982C>T on transcript NM_001375524.1 (MANE Select); coding-DNA position 10982, C replaced by T.
Protein change: p.Pro3661Leu; replaces proline 3661 with leucine.
Molecular consequence: missense variant.
Genome position (GRCh38, 1-based): chr7:99,011,095, C>T. VCF-style: chr7-99011095-C-T. GRCh37 (hg19) VCF-style: chr7-98608718-C-T.
Other names: c.10940C>T, p.Pro3647Leu (NM_001244580.2); c.10853C>T, p.Pro3618Leu (NM_003496.4); short protein forms P3618L, P3647L, P3661L.
Identifiers: ClinVar variation 2058572 (VCV002058572.6), dbSNP rs746185285, ClinGen allele CA4362058.